The following is an entry in ClinVar:

ClinVar aggregate classification (germline): Uncertain significance (1 of 4 stars; one submission).

Submission:

Labcorp Genetics (formerly Invitae), Labcorp
Classification: Uncertain significance. Last evaluated: 2024-02-24. Review status: criteria provided, single submitter. Criteria: Invitae Variant Classification Sherloc (09022015). Collection method: clinical testing. Allele origin: germline.
Comment: This sequence change results in a frameshift in the DRAM2 gene (p.Pro253Leufs*42). While this is not anticipated to result in nonsense mediated decay, it is expected to disrupt the last 14 amino acid(s) of the DRAM2 protein and extend the protein by 27 additional amino acid residues. This variant is not present in population databases (gnomAD no frequency). This frameshift has been observed in individual(s) with clinical features of cone-rod dystrophy (Invitae). ClinVar contains an entry for this variant (Variation ID: 1423849). Experimental studies and prediction algorithms are not available or were not evaluated, and the functional significance of this variant is currently unknown. In summary, the available evidence is currently insufficient to determine the role of this variant in disease. Therefore, it has been classified as a Variant of Uncertain Significance.

NM_001349884.2(DRAM2):c.758del (p.Pro253fs)

Gene: DRAM2 (DNA damage regulated autophagy modulator 2; minus strand). Cytogenetic location: 1p13.3.
Variant type: Deletion.
Coding change: c.758del on transcript NM_001349884.2 (MANE Select); coding-DNA position 758, one base deleted (C; older notation c.758delC).
Protein change: p.Pro253fs; shifts the reading frame from proline 253.
Molecular consequence: frameshift variant. On other transcripts: non-coding transcript variant (8).
Genome position (GRCh38, 1-based): chr1:111,118,203, G deleted on the plus strand (C on the coding strand, the reverse complement: DRAM2 is on the minus strand); the first of 3 consecutive G bases (chr1:111,118,203-111,118,205); deleting any one gives the same sequence. VCF-style (leftmost placement, unchanged base first): chr1-111118202-AG-A. GRCh37 (hg19) VCF-style: chr1-111660824-AG-A.
Other names: c.758del, p.Pro253fs (NM_001349881.2, NM_001349882.2, NM_001349885.2 and 1 more transcripts); c.488del, p.Pro163fs (NM_001349886.2, NM_001349887.2, NM_001349888.2); c.368del, p.Pro123fs (NM_001349889.2, NM_001349890.2, NM_001349891.2 and 2 more transcripts); short protein forms P123fs, P253fs, P163fs.
Identifiers: ClinVar variation 1423849 (VCV001423849.6), dbSNP rs1350687341, ClinGen allele CA885506899.